The following is an entry in ClinVar:

ClinVar aggregate classification (germline): Likely benign. Review status: criteria provided, multiple submitters, no conflicts (2 of 4 stars). 3 submissions from 3 submitters: Likely benign (2). 1 of the submissions does not count toward it. Last evaluated 2025-07-24.

Conditions:
BBS4-related disorder. Also called: BBS4-related condition.
Bardet-Biedl syndrome (BBS). Identifiers: Orphanet 110, MedGen C0752166, MONDO:0015229.

Allele frequency attached by ClinVar (database versions not stated): ExAC 0.00001; gnomAD exomes 0.00001 and 0.00002; gnomAD 0.00002; TOPMed 0.00002; ESP Exome Variant Server 0.00008.
gnomAD v4.1: 15 of 1,614,038 alleles (0.00093%); highest among the groups gnomAD compares: Non-Finnish European, 0.0012%; no homozygotes.

Submissions (3):

Labcorp Genetics (formerly Invitae), Labcorp
Classification: Likely benign for Bardet-Biedl syndrome. Last evaluated: 2025-07-24. Review status: criteria provided, single submitter. Criteria: Invitae Variant Classification Sherloc (09022015). Collection method: clinical testing. Allele origin: germline.

Blueprint Genetics
Classification: Likely benign. Last evaluated: 2024-09-30. Review status: criteria provided, single submitter. Criteria: ACMG Guidelines, 2015. Collection method: clinical testing. Allele origin: germline.

PreventionGenetics, part of Exact Sciences
Classification: Likely benign for BBS4-related condition. Last evaluated: 2023-01-10. Review status: no assertion criteria provided. Collection method: clinical testing. Allele origin: germline. Not counted in ClinVar's aggregate classification.
Comment: This variant is classified as likely benign based on ACMG/AMP sequence variant interpretation guidelines (Richards et al. 2015 PMID: 25741868, with internal and published modifications).

NM_033028.5(BBS4):c.282A>G (p.Ala94=)

Gene: BBS4 (Bardet-Biedl syndrome 4; plus strand). Cytogenetic location: 15q24.1.
Variant type: single nucleotide variant.
Coding change: c.282A>G on transcript NM_033028.5 (MANE Select); coding-DNA position 282, A replaced by G.
Protein change: p.Ala94=; no amino-acid change (alanine 94 retained).
Molecular consequence: synonymous variant. On other transcripts: 5 prime UTR variant (1), non-coding transcript variant (2).
Genome position (GRCh38, 1-based): chr15:72,715,352, A>G. VCF-style: chr15-72715352-A-G. GRCh37 (hg19) VCF-style: chr15-73007693-A-G.
Other names: c.-240A>G (NM_001252678.2); c.282A>G, p.Ala94= (NM_001320665.2).
Identifiers: ClinVar variation 462960 (VCV000462960.13), dbSNP rs370868102, ClinGen allele CA7646570.